The following is an entry in ClinVar:

NM_000038.6(APC):c.3425A>G (p.Asn1142Ser)

Gene: APC (APC regulator of Wnt signaling pathway; plus strand). Cytogenetic location: 5q22.2.
Variant type: single nucleotide variant.
Coding change: c.3425A>G on transcript NM_000038.6 (MANE Select); coding-DNA position 3425, A replaced by G.
Protein change: p.Asn1142Ser; replaces asparagine 1142 with serine.
Molecular consequence: missense variant.
Genome position (GRCh38, 1-based): chr5:112,839,019, A>G. VCF-style: chr5-112839019-A-G. GRCh37 (hg19) VCF-style: chr5-112174716-A-G.
Other names: c.3425A>G, p.Asn1142Ser (NM_001127510.3, NM_001354895.2); c.3371A>G, p.Asn1124Ser (NM_001127511.3); c.3479A>G, p.Asn1160Ser (NM_001354896.2); c.3455A>G, p.Asn1152Ser (NM_001354897.2); c.3350A>G, p.Asn1117Ser (NM_001354898.2); c.3341A>G, p.Asn1114Ser (NM_001354899.2); c.3302A>G, p.Asn1101Ser (NM_001354900.2); c.3248A>G, p.Asn1083Ser (NM_001354901.2); and 5 more; short protein forms N1124S, N1142S, N1041S, N1051S, N1016S, N1152S, N982S, N1114S.
Identifiers: ClinVar variation 438875 (VCV000438875.25), dbSNP rs138410865, ClinGen allele CA035329.

ClinVar aggregate classification (germline): Conflicting classifications of pathogenicity. Review status: criteria provided, conflicting classifications (1 of 4 stars). 8 submissions from 8 submitters: Uncertain significance (6); Benign (1); Likely benign (1). Last evaluated 2026-04-16.

Conditions:
Hereditary cancer-predisposing syndrome. Also called: Hereditary Cancer Syndrome; Tumor predisposition; Hereditary neoplastic syndrome; Neoplastic Syndromes, Hereditary. Identifiers: Orphanet 140162, MedGen C0027672, MeSH D009386, MONDO:0015356.
Familial adenomatous polyposis 1 (FAP1). Also called: FAMILIAL ADENOMATOUS POLYPOSIS 1, ATTENUATED; POLYPOSIS, ADENOMATOUS INTESTINAL. Identifiers: MedGen C2713442, MONDO:0021056, OMIM 175100. Disease mechanism: loss of function.

Allele frequency attached by ClinVar (database versions not stated): 1000 Genomes Project 30x 0.00031; 1000 Genomes Project 0.00020.
gnomAD v4.1: 35 of 1,614,150 alleles (0.0022%); highest among the groups gnomAD compares: Non-Finnish European, 0.003%; no homozygotes.

Submissions (8):

Ambry Genetics
Classification: Benign for Hereditary cancer-predisposing syndrome. Last evaluated: 2026-04-16. Review status: criteria provided, single submitter. Criteria: Ambry Variant Classification Scheme 2023. Collection method: clinical testing. Allele origin: germline.

Labcorp Genetics (formerly Invitae), Labcorp
Classification: Uncertain significance for Familial adenomatous polyposis 1. Last evaluated: 2025-11-19. Review status: criteria provided, single submitter. Criteria: Invitae Variant Classification Sherloc (09022015). Collection method: clinical testing. Allele origin: germline.
Comment: This sequence change replaces asparagine, which is neutral and polar, with serine, which is neutral and polar, at codon 1142 of the APC protein (p.Asn1142Ser). This variant is present in population databases (rs138410865, gnomAD 0.002%). This variant has not been reported in the literature in individuals affected with APC-related conditions. ClinVar contains an entry for this variant (Variation ID: 438875). Invitae Evidence Modeling of protein sequence and biophysical properties (such as structural, functional, and spatial information, amino acid conservation, physicochemical variation, residue mobility, and thermodynamic stability) indicates that this missense variant is not expected to disrupt APC protein function with a negative predictive value of 95%. In summary, the available evidence is currently insufficient to determine the role of this variant in disease. Therefore, it has been classified as a Variant of Uncertain Significance.

Color Diagnostics, LLC DBA Color Health
Classification: Likely benign for Hereditary cancer-predisposing syndrome. Last evaluated: 2025-09-17. Review status: criteria provided, single submitter. Criteria: ACMG Guidelines, 2015. Collection method: clinical testing. Allele origin: germline.

GeneDx
Classification: Uncertain significance. Last evaluated: 2024-05-17. Review status: criteria provided, single submitter. Criteria: GeneDx Variant Classification Process June 2021. Collection method: clinical testing. Allele origin: germline. Affected: yes.
Comment: Not observed at significant frequency in large population cohorts (gnomAD); In silico analysis supports that this missense variant does not alter protein structure/function; Observed in an individual with breast cancer (PMID: 25186627); This variant is associated with the following publications: (PMID: 18199528, 25186627)

Baylor Genetics
Classification: Uncertain significance for Familial adenomatous polyposis 1. Last evaluated: 2023-08-20. Review status: criteria provided, single submitter. Criteria: ACMG Guidelines, 2015. Collection method: clinical testing. Allele origin: unknown.

Mendelics
Classification: Uncertain significance. Last evaluated: 2022-05-04. Review status: criteria provided, single submitter. Criteria: Mendelics Assertion Criteria 2019. Collection method: clinical testing. Allele origin: germline.

Women's Health and Genetics/Laboratory Corporation of America, LabCorp
Classification: Uncertain significance. Last evaluated: 2019-03-25. Review status: criteria provided, single submitter. Criteria: LabCorp Variant Classification Summary - May 2015. Collection method: clinical testing. Allele origin: germline.
Comment: Variant summary: APC c.3425A>G (p.Asn1142Ser) results in a conservative amino acid change in the encoded protein sequence. Three of five in-silico tools predict a damaging effect of the variant on protein function. The variant allele was found at a frequency of 8.1e-06 in 245736 control chromosomes (gnomAD). The available data on variant occurrences in the general population are insufficient to allow any conclusion about variant significance. The variant of interest has been reported in the literature in individuals refered for testing (Tung_2015). This report does not provide unequivocal conclusions about association of the variant with Familial Adenomatous Polyposis. To our knowledge, no experimental evidence demonstrating an impact on protein function has been reported. Three clinical diagnostic laboratories have submitted clinical-significance assessments for this variant to ClinVar after 2014 without evidence for independent evaluation. All laboratories classified the variant as uncertain significance. Based on the evidence outlined above, the variant was classified as uncertain significance.

Quest Diagnostics Nichols Institute San Juan Capistrano
Classification: Uncertain significance. Last evaluated: 2016-11-04. Review status: criteria provided, single submitter. Criteria: Quest Diagnostics criteria. Collection method: clinical testing. Allele origin: germline.

Literature cited by the submitters: PubMed 25186627 (cited by Women's Health and Genetics/Laboratory Corporation of America, LabCorp).